The following is an entry in ClinVar:

ClinVar aggregate classification (germline): Uncertain significance (1 of 4 stars; one submission).

Conditions:
Neuropathy, hereditary sensory and autonomic, type 2A (HSAN2A). Also called: MORVAN DISEASE; NEUROPATHY, CONGENITAL SENSORY; NEUROPATHY, HEREDITARY SENSORY RADICULAR, AUTOSOMAL RECESSIVE; NEUROPATHY, HEREDITARY SENSORY, TYPE IIA; NEUROPATHY, PROGRESSIVE SENSORY, OF CHILDREN; WNK1-Related HSAN2 (HSAN2A). Identifiers: Orphanet 970, MedGen C2752089, MONDO:0024309, OMIM 201300.
Pseudohypoaldosteronism type 2C (PHA2C). Also called: Pseudohypoaldosteronism Type IIC. Identifiers: Orphanet 757, Orphanet 88940, MedGen C1840391, MONDO:0013778, OMIM 614492.

Submission:

Labcorp Genetics (formerly Invitae), Labcorp
Classification: Uncertain significance for Neuropathy, hereditary sensory and autonomic, type 2A; Pseudohypoaldosteronism type 2C. Last evaluated: 2017-11-16. Review status: criteria provided, single submitter. Criteria: Invitae Variant Classification Sherloc (09022015). Collection method: clinical testing. Allele origin: germline.
Comment: This variant has not been reported in the literature in individuals with WNK1-related disease. This sequence change replaces proline with threonine at codon 948 of the WNK1 protein (p.Pro948Thr). The proline residue is moderately conserved and there is a small physicochemical difference between proline and threonine. This variant is not present in population databases (ExAC no frequency). Algorithms developed to predict the effect of missense changes on protein structure and function do not agree on the potential impact of this missense change (SIFT: "Deleterious"; PolyPhen-2: "Benign"; Align-GVGD: "Class C0"). In summary, the available evidence is currently insufficient to determine the role of this variant in disease. Therefore, it has been classified as a Variant of Uncertain Significance.

NM_018979.4(WNK1):c.2842C>A (p.Pro948Thr)

Gene: WNK1 (WNK lysine deficient protein kinase 1; plus strand). Cytogenetic location: 12p13.33.
Variant type: single nucleotide variant.
Coding change: c.2842C>A on transcript NM_018979.4 (MANE Select); coding-DNA position 2842, C replaced by A.
Protein change: p.Pro948Thr; replaces proline 948 with threonine.
Molecular consequence: missense variant. On other transcripts: intron variant (2).
Genome position (GRCh38, 1-based): chr12:880,730, C>A. VCF-style: chr12-880730-C-A. GRCh37 (hg19) VCF-style: chr12-989896-C-A.
Other names: c.3622C>A, p.Pro1208Thr (NM_001184985.2); c.3868-962C>A (NM_213655.5); c.2371-962C>A (NM_014823.3); short protein forms P1208T, P948T.
Identifiers: ClinVar variation 1039523 (VCV001039523.6), dbSNP rs932461182, ClinGen allele CA383326823.